The following is an entry in ClinVar:

ClinVar aggregate classification (germline): Conflicting classifications of pathogenicity. Review status: criteria provided, conflicting classifications (1 of 4 stars). 4 submissions from 4 submitters: Uncertain significance (3); Likely benign (1). Last evaluated 2026-09-18.

Conditions:
Charcot-Marie-Tooth disease axonal type 2C (HMSN2C). Also called: CHARCOT-MARIE-TOOTH DISEASE, AXONAL, AUTOSOMAL DOMINANT, TYPE 2C; Charcot-Marie-Tooth Neuropathy Type 2C; Charcot-Marie-Tooth Disease Type 2, TRPV4-Related (CMT2C). Identifiers: Orphanet 99937, MedGen C1853710, MONDO:0011633, OMIM 606071.
TRPV4-related disorder. Also called: TRPV4-related disorders; TRPV4-related condition.
Congenital myopathy. Identifiers: Orphanet 97245, MedGen C0270960, MONDO:0019952.

Allele frequency attached by ClinVar (database versions not stated): ExAC 0.00003; gnomAD exomes 0.00003 and 0.00006; TOPMed 0.00005; gnomAD 0.00006 and 0.00008.
gnomAD v4.1: 57 of 1,614,124 alleles (0.0035%); highest among the groups gnomAD compares: South Asian, 0.026%; 2 homozygotes.

Submissions (4):

PreventionGenetics, part of Exact Sciences
Classification: Uncertain significance for TRPV4-related condition. Last evaluated: 2026-09-18. Review status: criteria provided, single submitter. Criteria: ACMG Guidelines, 2015. Collection method: clinical testing. Allele origin: germline.
Comment: The TRPV4 c.226C>T variant is predicted to result in the amino acid substitution p.Arg76Cys. To our knowledge, this variant has not been reported in the literature. This variant is reported in 0.026% of alleles in individuals of South Asian descent in gnomAD. Although we suspect that this variant may be benign, at this time, the clinical significance of this variant is uncertain due to the absence of conclusive functional and genetic evidence.

Labcorp Genetics (formerly Invitae), Labcorp
Classification: Uncertain significance for Charcot-Marie-Tooth disease axonal type 2C. Last evaluated: 2025-11-17. Review status: criteria provided, single submitter. Criteria: Invitae Variant Classification Sherloc (09022015). Collection method: clinical testing. Allele origin: germline.
Comment: This sequence change replaces arginine, which is basic and polar, with cysteine, which is neutral and slightly polar, at codon 76 of the TRPV4 protein (p.Arg76Cys). This variant is present in population databases (rs777647151, gnomAD 0.03%). This variant has not been reported in the literature in individuals affected with TRPV4-related conditions. ClinVar contains an entry for this variant (Variation ID: 943963). Invitae Evidence Modeling of protein sequence and biophysical properties (such as structural, functional, and spatial information, amino acid conservation, physicochemical variation, residue mobility, and thermodynamic stability) has been performed for this missense variant. However, the output from this modeling did not meet the statistical confidence thresholds required to predict the impact of this variant on TRPV4 protein function. In summary, the available evidence is currently insufficient to determine the role of this variant in disease. Therefore, it has been classified as a Variant of Uncertain Significance.

GeneDx
Classification: Likely benign. Last evaluated: 2019-08-15. Review status: criteria provided, single submitter. Criteria: GeneDx Variant Classification Process June 2021. Collection method: clinical testing. Allele origin: germline. Affected: yes.

Cambridge Genomics Laboratory, East Genomic Laboratory Hub, NHS Genomic Medicine Service
Classification: Uncertain significance for Congenital myopathy. Last evaluated: 2019-04-17. Review status: criteria provided, single submitter. Criteria: ACGS Best Practice Guidelines for Variant Classification in Rare Disease 2020. Collection method: clinical testing. Allele origin: germline. Affected: yes. Observed: 1 variant allele.

NM_021625.5(TRPV4):c.226C>T (p.Arg76Cys)

Gene: TRPV4 (transient receptor potential cation channel subfamily V member 4; minus strand). Cytogenetic location: 12q24.11.
Variant type: single nucleotide variant.
Coding change: c.226C>T on transcript NM_021625.5 (MANE Select); coding-DNA position 226, C replaced by T.
Protein change: p.Arg76Cys; replaces arginine 76 with cysteine.
Molecular consequence: missense variant.
Genome position (GRCh38, 1-based): chr12:109,814,571, G>A on the plus strand (C>T on the coding strand, the complement: TRPV4 is on the minus strand). VCF-style: chr12-109814571-G-A. GRCh37 (hg19) VCF-style: chr12-110252376-G-A.
Other names: c.226C>T, p.Arg76Cys (NM_001177428.2, NM_001177433.2, NM_147204.3); c.124C>T, p.Arg42Cys (NM_001177431.2); short protein forms R76C, R42C.
Identifiers: ClinVar variation 943963 (VCV000943963.16), dbSNP rs777647151, ClinGen allele CA6780589.